The following is an entry in ClinVar:

ClinVar aggregate classification (germline): Uncertain significance (1 of 4 stars; one submission).

gnomAD v4.1: 1 of 1,614,208 alleles (0.000062%); highest among the groups gnomAD compares: Non-Finnish European, 0.000085%; no homozygotes.

Submission:

Labcorp Genetics (formerly Invitae), Labcorp
Classification: Uncertain significance. Last evaluated: 2021-11-14. Review status: criteria provided, single submitter. Criteria: Invitae Variant Classification Sherloc (09022015). Collection method: clinical testing. Allele origin: germline.
Comment: In summary, the available evidence is currently insufficient to determine the role of this variant in disease. Therefore, it has been classified as a Variant of Uncertain Significance. Algorithms developed to predict the effect of missense changes on protein structure and function are either unavailable or do not agree on the potential impact of this missense change (SIFT: "Not Available"; PolyPhen-2: "Possibly Damaging"; Align-GVGD: "Not Available"). This variant has not been reported in the literature in individuals affected with CDH3-related conditions. This variant is not present in population databases (gnomAD no frequency). This sequence change replaces valine, which is neutral and non-polar, with alanine, which is neutral and non-polar, at codon 410 of the CDH3 protein (p.Val410Ala).

NM_001793.6(CDH3):c.1229T>C (p.Val410Ala)

Gene: CDH3 (cadherin 3; plus strand). Cytogenetic location: 16q22.1.
Variant type: single nucleotide variant.
Coding change: c.1229T>C on transcript NM_001793.6 (MANE Select); coding-DNA position 1229, T replaced by C.
Protein change: p.Val410Ala; replaces valine 410 with alanine.
Molecular consequence: missense variant.
Genome position (GRCh38, 1-based): chr16:68,684,629, T>C. VCF-style: chr16-68684629-T-C. GRCh37 (hg19) VCF-style: chr16-68718532-T-C.
Other names: c.1229T>C, p.Val410Ala (NM_001317195.3); c.1064T>C, p.Val355Ala (NM_001317196.2); short protein forms V410A, V355A.
Identifiers: ClinVar variation 1351592 (VCV001351592.6), dbSNP rs2152102608, ClinGen allele CA396453822.